The following is an entry in ClinVar:

ClinVar aggregate classification (germline): Pathogenic (1 of 4 stars; one submission).

Conditions:
Hypertrophic cardiomyopathy 26. Also called: Cardiomyopathy, familial hypertrophic, 26. Identifiers: Orphanet 75249, MedGen C4310749, MONDO:0014883, OMIM 617047.
Myofibrillar myopathy 5. Also called: FILAMINOPATHY, AUTOSOMAL DOMINANT; Filaminopathy (type). Identifiers: Orphanet 171445, MedGen C1836050, MONDO:0012289, OMIM 609524.
Distal myopathy with posterior leg and anterior hand involvement. Also called: WILLIAMS DISTAL MYOPATHY. Identifiers: Orphanet 63273, MedGen C3279722, MONDO:0013550, OMIM 614065.

Submission:

Labcorp Genetics (formerly Invitae), Labcorp
Classification: Pathogenic for Distal myopathy with posterior leg and anterior hand involvement; Myofibrillar myopathy 5; Hypertrophic cardiomyopathy 26. Last evaluated: 2022-03-27. Review status: criteria provided, single submitter. Criteria: Invitae Variant Classification Sherloc (09022015). Collection method: clinical testing. Allele origin: germline.
Comment: For these reasons, this variant has been classified as Pathogenic. ClinVar contains an entry for this variant (Variation ID: 959711). This variant has not been reported in the literature in individuals affected with FLNC-related conditions. This variant is not present in population databases (gnomAD no frequency). This sequence change creates a premature translational stop signal (p.Asp2116Argfs*37) in the FLNC gene. It is expected to result in an absent or disrupted protein product. Loss-of-function variants in FLNC are known to be pathogenic (PMID: 27908349).

Literature cited by the submitters: PubMed 27908349.

NM_001458.5(FLNC):c.6345_6352del (p.Asp2116fs)

Genes: FLNC-AS1 (FLNC antisense RNA 1; minus strand), FLNC (filamin C; plus strand). Cytogenetic location: 7q32.1.
Variant type: Deletion.
Coding change: c.6345_6352del on transcript NM_001458.5 (MANE Select); coding-DNA positions 6345 to 6352, 8 bases deleted (TGACAAGC; older notation c.6345_6352delTGACAAGC).
Protein change: p.Asp2116fs; shifts the reading frame from aspartic acid 2116.
Molecular consequence: frameshift variant.
Genome position (GRCh38, 1-based): chr7:128,853,605-128,853,612, TGACAAGC deleted; deleting any 8 consecutive bases within chr7:128,853,603-128,853,612 gives the same sequence; the c. name uses the placement nearest the transcript's 3' end. VCF-style (leftmost placement, unchanged base first): chr7-128853602-TGCTGACAA-T. GRCh37 (hg19) VCF-style: chr7-128493656-TGCTGACAA-T.
Other names: c.6246_6253del, p.Asp2083fs (NM_001127487.2); short protein forms D2083fs, D2116fs.
Identifiers: ClinVar variation 959711 (VCV000959711.8), dbSNP rs1808918080, ClinGen allele CA1139660238.
Genomic context (GRCh38, chr7:128,853,602, plus strand): 5'-GACATGCAAAGTCACCTACTGCCCCACCGAGCCCGGCACCTACATCATCAACATCAAGTT[TGCTGACAA>T]GCACGTGCCTGGTAAGGCTCTGGGCAGAGGTCGGTGGCGAGAGACAGGGAGGCCAGGAGG-3'